The following is an entry in ClinVar:

NM_000228.3(LAMB3):c.1593C>A (p.Cys531Ter)

Gene: LAMB3 (laminin subunit beta 3; minus strand). Cytogenetic location: 1q32.2.
Variant type: single nucleotide variant.
Coding change: c.1593C>A on transcript NM_000228.3 (MANE Select); coding-DNA position 1593, C replaced by A.
Protein change: p.Cys531Ter; replaces cysteine 531 with a stop codon.
Molecular consequence: nonsense.
Genome position (GRCh38, 1-based): chr1:209,626,871, G>T on the plus strand (C>A on the coding strand, the complement: LAMB3 is on the minus strand). VCF-style: chr1-209626871-G-T. GRCh37 (hg19) VCF-style: chr1-209800216-G-T.
Other names: c.1593C>A, p.Cys531Ter (NM_001017402.2, NM_001127641.1); short protein forms C531*.
Identifiers: ClinVar variation 2087530 (VCV002087530.4), dbSNP rs1373499246, ClinGen allele CA344590056.

ClinVar aggregate classification (germline): Pathogenic (1 of 4 stars; one submission).

Submission:

Labcorp Genetics (formerly Invitae), Labcorp
Classification: Pathogenic. Last evaluated: 2022-01-18. Review status: criteria provided, single submitter. Criteria: Invitae Variant Classification Sherloc (09022015). Collection method: clinical testing. Allele origin: germline.
Comment: For these reasons, this variant has been classified as Pathogenic. This variant has not been reported in the literature in individuals affected with LAMB3-related conditions. This variant is not present in population databases (gnomAD no frequency). This sequence change creates a premature translational stop signal (p.Cys531*) in the LAMB3 gene. It is expected to result in an absent or disrupted protein product. Loss-of-function variants in LAMB3 are known to be pathogenic (PMID: 11023379, 16473856).

Literature cited by the submitters: PubMed 11023379; PubMed 16473856.